The following is an entry in ClinVar:

NM_000222.3(KIT):c.457G>A (p.Gly153Arg)

Gene: KIT (KIT proto-oncogene, receptor tyrosine kinase; plus strand). Cytogenetic location: 4q12.
Variant type: single nucleotide variant.
Coding change: c.457G>A on transcript NM_000222.3 (MANE Select); coding-DNA position 457, G replaced by A.
Protein change: p.Gly153Arg; replaces glycine 153 with arginine.
Molecular consequence: missense variant.
Genome position (GRCh38, 1-based): chr4:54,698,403, G>A. VCF-style: chr4-54698403-G-A. GRCh37 (hg19) VCF-style: chr4-55564569-G-A.
Other names: c.457G>A, p.Gly153Arg (NM_001093772.2, NM_001385284.1, NM_001385285.1 and 4 more transcripts); short protein forms G153R.
Identifiers: ClinVar variation 3724476 (VCV003724476.2).
Genomic context (GRCh38, chr4:54,698,403, plus strand): 5'-CTGGTCCGCTGTCCTCTCACAGACCCAGAAGTGACCAATTATTCCCTCAAGGGGTGCCAG[G>A]GGAAGCCTCTTCCCAAGGACTTGAGGTTTATTCCTGACCCCAAGGCGGGCATCATGATCA-3'
Protein context (NP_000213.1, residues 143-163): VTNYSLKGCQ[Gly153Arg]KPLPKDLRFI

ClinVar aggregate classification (germline): Uncertain significance (1 of 4 stars; one submission).

Conditions:
Gastrointestinal stromal tumor. Also called: Gastrointestinal stromal tumor, somatic; Gastrointestinal stroma tumor. Identifiers: Orphanet 44890, MedGen C0238198, MeSH D046152, MONDO:0011719, OMIM 606764, HP:0100723.

Submission:

Labcorp Genetics (formerly Invitae), Labcorp
Classification: Uncertain significance for Gastrointestinal stromal tumor. Last evaluated: 2024-11-03. Review status: criteria provided, single submitter. Criteria: Invitae Variant Classification Sherloc (09022015). Collection method: clinical testing. Allele origin: germline.
Comment: This sequence change replaces glycine, which is neutral and non-polar, with arginine, which is basic and polar, at codon 153 of the KIT protein (p.Gly153Arg). This variant is present in population databases (rs770422212, gnomAD 0.006%). This variant has not been reported in the literature in individuals affected with KIT-related conditions. An algorithm developed to predict the effect of missense changes on protein structure and function (PolyPhen-2) suggests that this variant is likely to be disruptive. In summary, the available evidence is currently insufficient to determine the role of this variant in disease. Therefore, it has been classified as a Variant of Uncertain Significance.